The following is an entry in ClinVar:

ClinVar aggregate classification (germline): Uncertain significance (1 of 4 stars; one submission).

Submission:

Labcorp Genetics (formerly Invitae), Labcorp
Classification: Uncertain significance. Last evaluated: 2022-03-04. Review status: criteria provided, single submitter. Criteria: Invitae Variant Classification Sherloc (09022015). Collection method: clinical testing. Allele origin: germline.
Comment: Algorithms developed to predict the effect of missense changes on protein structure and function output the following: SIFT: "Tolerated"; PolyPhen-2: "Benign"; Align-GVGD: "Class C0". The leucine amino acid residue is found in multiple mammalian species, which suggests that this missense change does not adversely affect protein function. In summary, the available evidence is currently insufficient to determine the role of this variant in disease. Therefore, it has been classified as a Variant of Uncertain Significance. This variant has not been reported in the literature in individuals affected with NLRP1-related conditions. This variant is not present in population databases (gnomAD no frequency). This sequence change replaces proline, which is neutral and non-polar, with leucine, which is neutral and non-polar, at codon 119 of the NLRP1 protein (p.Pro119Leu).

NM_033004.4(NLRP1):c.356C>T (p.Pro119Leu)

Gene: NLRP1 (NLR family pyrin domain containing 1; minus strand). Cytogenetic location: 17p13.2.
Variant type: single nucleotide variant.
Coding change: c.356C>T on transcript NM_033004.4 (MANE Select); coding-DNA position 356, C replaced by T.
Protein change: p.Pro119Leu; replaces proline 119 with leucine.
Molecular consequence: missense variant.
Genome position (GRCh38, 1-based): chr17:5,582,762, G>A on the plus strand (C>T on the coding strand, the complement: NLRP1 is on the minus strand). VCF-style: chr17-5582762-G-A. GRCh37 (hg19) VCF-style: chr17-5486082-G-A.
Other names: c.356C>T, p.Pro119Leu (NM_001033053.3, NM_014922.5, NM_033006.4 and 1 more transcripts); short protein forms P119L.
Identifiers: ClinVar variation 1490975 (VCV001490975.6), dbSNP rs2151831639, ClinGen allele CA397390153.